The following is an entry in ClinVar:

NM_006393.3(NEBL):c.2344A>G (p.Met782Val)

Gene: NEBL (nebulette; minus strand). Cytogenetic location: 10p12.31.
Variant type: single nucleotide variant.
Coding change: c.2344A>G on transcript NM_006393.3 (MANE Select); coding-DNA position 2344, A replaced by G.
Protein change: p.Met782Val; replaces methionine 782 with valine.
Molecular consequence: missense variant. On other transcripts: intron variant (9).
Genome position (GRCh38, 1-based): chr10:20,813,941, T>C on the plus strand (A>G on the coding strand, the complement: NEBL is on the minus strand). VCF-style: chr10-20813941-T-C. GRCh37 (hg19) VCF-style: chr10-21102870-T-C.
Other names: c.250-1001A>G (NM_001377326.1, NM_001377327.1, NM_001377328.1); c.358-1001A>G (NM_213569.2, NM_001173484.2, NM_001377322.1); c.301-1001A>G (NM_001377324.1); c.292-1001A>G (NM_001377325.1); c.310-1001A>G (NM_001377323.1); short protein forms M782V.
Identifiers: ClinVar variation 570332 (VCV000570332.12), dbSNP rs200574474, ClinGen allele CA5432522.

ClinVar aggregate classification (germline): Conflicting classifications of pathogenicity. Review status: criteria provided, conflicting classifications (1 of 4 stars). 3 submissions from 3 submitters: Uncertain significance (2); Likely benign (1). Last evaluated 2025-12-03.

Conditions:
Primary dilated cardiomyopathy (DCM). Also called: Dilated Cardiomyopathy. Identifiers: Orphanet 217604, MedGen C0007193, MeSH D002311, MONDO:0005021, HP:0001644. Inheritance: Various modes of inheritance.

Allele frequency attached by ClinVar (database versions not stated): ESP Exome Variant Server 0.00008; gnomAD 0.00010; gnomAD exomes 0.00014 and 0.00028; 1000 Genomes Project 30x 0.00016; TOPMed 0.00016; ExAC 0.00018; 1000 Genomes Project 0.00020.
gnomAD v4.1: 404 of 1,576,638 alleles (0.026%); highest among the groups gnomAD compares: East Asian, 0.034%; no homozygotes.

Submissions (3):

Labcorp Genetics (formerly Invitae), Labcorp
Classification: Uncertain significance for Primary dilated cardiomyopathy. Last evaluated: 2025-12-03. Review status: criteria provided, single submitter. Criteria: Invitae Variant Classification Sherloc (09022015). Collection method: clinical testing. Allele origin: germline.
Comment: This sequence change replaces methionine, which is neutral and non-polar, with valine, which is neutral and non-polar, at codon 782 of the NEBL protein (p.Met782Val). This variant is present in population databases (rs200574474, gnomAD 0.05%). This variant has not been reported in the literature in individuals affected with NEBL-related conditions. ClinVar contains an entry for this variant (Variation ID: 570332). An algorithm developed to predict the effect of missense changes on protein structure and function (PolyPhen-2) suggests that this variant is likely to be disruptive. Algorithms developed to predict the effect of sequence changes on RNA splicing suggest that this variant may disrupt the consensus splice site. In summary, the available evidence is currently insufficient to determine the role of this variant in disease. Therefore, it has been classified as a Variant of Uncertain Significance.

Women's Health and Genetics/Laboratory Corporation of America, LabCorp
Classification: Likely benign. Last evaluated: 2025-11-17. Review status: criteria provided, single submitter. Criteria: LabCorp Variant Classification Summary - May 2015. Collection method: clinical testing. Allele origin: germline.

Ambry Genetics
Classification: Uncertain significance. Last evaluated: 2025-01-18. Review status: criteria provided, single submitter. Criteria: Ambry Variant Classification Scheme 2023. Collection method: clinical testing. Allele origin: germline.